The following is an entry in ClinVar:

NM_030777.4(SLC2A10):c.1309G>A (p.Glu437Lys)

Gene: SLC2A10 (solute carrier family 2 member 10; plus strand). Cytogenetic location: 20q13.12.
Variant type: single nucleotide variant.
Coding change: c.1309G>A on transcript NM_030777.4 (MANE Select); coding-DNA position 1309, G replaced by A.
Protein change: p.Glu437Lys; replaces glutamic acid 437 with lysine.
Molecular consequence: missense variant.
Genome position (GRCh38, 1-based): chr20:46,726,884, G>A. VCF-style: chr20-46726884-G-A. GRCh37 (hg19) VCF-style: chr20-45355523-G-A.
Other names: short protein forms E437K.
Identifiers: ClinVar variation 161100 (VCV000161100.28), dbSNP rs763220502, ClinGen allele CA347770.

ClinVar aggregate classification (germline): Pathogenic/Likely pathogenic. Review status: criteria provided, multiple submitters, no conflicts (2 of 4 stars). 9 submissions from 9 submitters: Pathogenic (2); Likely pathogenic (6). 1 of the submissions does not count toward it. Last evaluated 2025-10-09.

Conditions:
Thoracic aortic aneurysm or dissection.
Familial thoracic aortic aneurysm and aortic dissection (TAAD). Also called: Thoracic aortic aneurysms and dissections. Identifiers: Orphanet 91387, MedGen C4707243, MONDO:0019625.
Arterial tortuosity syndrome (ATORS). Identifiers: Orphanet 3342, MedGen C1859726, MONDO:0008818, OMIM 208050.

Allele frequency attached by ClinVar (database versions not stated): gnomAD exomes 0.00002; TOPMed 0.00002; gnomAD 0.00001; ExAC 0.00002.
gnomAD v4.1: 33 of 1,613,994 alleles (0.002%); highest among the groups gnomAD compares: South Asian, 0.0044%; no homozygotes.

Submissions (9):

Mayo Clinic Laboratories, Mayo Clinic
Classification: Likely pathogenic. Last evaluated: 2025-10-09. Review status: criteria provided, single submitter. Criteria: ACMG Guidelines, 2015. Collection method: clinical testing. Allele origin: germline. Observed: 1 variant allele.
Comment: PP3_moderate, PM1, PM2_supporting, PM3_strong

Ambry Genetics
Classification: Likely pathogenic for Familial thoracic aortic aneurysm and aortic dissection. Last evaluated: 2025-06-11. Review status: criteria provided, single submitter. Criteria: Ambry Variant Classification Scheme 2023. Collection method: clinical testing. Allele origin: germline.
Comment: The p.E437K variant (also known as c.1309G>A), located in coding exon 3 of the SLC2A10 gene, results from a G to A substitution at nucleotide position 1309. The glutamic acid at codon 437 is replaced by lysine, an amino acid with similar properties. This variant has been identified in the homozygous state and/or in conjunction with other SLC2A10 variant(s) in individual(s) with features consistent with arterial tortuosity syndrome; in at least one instance, the variants were identified in trans (Drera B et al. Am J Med Genet A, 2007 Jan;143A:216-8; Callewaert BL et al. Hum Mutat, 2008 Jan;29:150-8; Ritelli M et al. BMC Med Genet, 2014 Nov;15:122). This amino acid position is highly conserved in available vertebrate species. In addition, this alteration is predicted to be deleterious by in silico analysis. This variant is considered to be rare based on population cohorts in the Genome Aggregation Database (gnomAD). Based on the majority of available evidence to date, this variant is likely to be pathogenic.

Labcorp Genetics (formerly Invitae), Labcorp
Classification: Pathogenic for Arterial tortuosity syndrome. Last evaluated: 2025-01-22. Review status: criteria provided, single submitter. Criteria: Invitae Variant Classification Sherloc (09022015). Collection method: clinical testing. Allele origin: germline.
Comment: This sequence change replaces glutamic acid, which is acidic and polar, with lysine, which is basic and polar, at codon 437 of the SLC2A10 protein (p.Glu437Lys). This variant is present in population databases (rs763220502, gnomAD 0.006%). This missense change has been observed in individual(s) with arterial tortuosity syndrome (PMID: 17163528, 17935213, 25373504). In at least one individual the data is consistent with being in trans (on the opposite chromosome) from a pathogenic variant. ClinVar contains an entry for this variant (Variation ID: 161100). Invitae Evidence Modeling of protein sequence and biophysical properties (such as structural, functional, and spatial information, amino acid conservation, physicochemical variation, residue mobility, and thermodynamic stability) indicates that this missense variant is expected to disrupt SLC2A10 protein function with a positive predictive value of 95%. For these reasons, this variant has been classified as Pathogenic.

NHS Central & South Genomic Laboratory Hub
Classification: Likely pathogenic for Thoracic aortic aneurysm or dissection. Last evaluated: 2024-11-11. Review status: criteria provided, single submitter. Criteria: ACMG Guidelines, 2015. Collection method: clinical testing. Allele origin: germline. Affected: yes.

Genomic Medicine Center of Excellence, King Faisal Specialist Hospital and Research Centre
Classification: Likely pathogenic for Arterial tortuosity syndrome. Last evaluated: 2024-03-29. Review status: criteria provided, single submitter. Criteria: ACMG Guidelines, 2015. Collection method: clinical testing. Allele origin: germline.

Fulgent Genetics
Classification: Likely pathogenic for Arterial tortuosity syndrome. Last evaluated: 2024-03-09. Review status: criteria provided, single submitter. Criteria: ACMG Guidelines, 2015. Collection method: clinical testing. Allele origin: germline.

Women's Health and Genetics/Laboratory Corporation of America, LabCorp
Classification: Pathogenic for Arterial tortuosity syndrome. Last evaluated: 2024-03-08. Review status: criteria provided, single submitter. Criteria: LabCorp Variant Classification Summary - May 2015. Collection method: clinical testing. Allele origin: germline.
Comment: Variant summary: SLC2A10 c.1309G>A (p.Glu437Lys) results in a conservative amino acid change located in the Major facilitator superfamily domain (IPR020846) of the encoded protein sequence. Four of five in-silico tools predict a damaging effect of the variant on protein function. The variant allele was found at a frequency of 2.4e-05 in 251422 control chromosomes. c.1309G>A has been reported in the literature in multiple homozygous and compound heterozygous individuals affected with Arterial Tortuosity Syndrome (e.g. Beyens_2018, Callewaert_2008, Drera_2007). These data indicate that the variant is very likely to be associated with disease. To our knowledge, no experimental evidence demonstrating an impact on protein function has been reported. The following publications have been ascertained in the context of this evaluation (PMID: 29323665, 17935213, 17163528). ClinVar contains an entry for this variant (Variation ID: 161100). Based on the evidence outlined above, the variant was classified as pathogenic.

GeneDx
Classification: Likely pathogenic. Last evaluated: 2020-09-08. Review status: criteria provided, single submitter. Criteria: GeneDx Variant Classification Process June 2021. Collection method: clinical testing. Allele origin: germline. Affected: yes.
Comment: Not observed at a significant frequency in large population cohorts (Lek et al., 2016); In silico analysis supports that this missense variant has a deleterious effect on protein structure/function; This variant is associated with the following publications: (PMID: 26376865, 28655553, 17163528, 25373504, 17935213)

GeneReviews
No classification provided. Condition: Arterial tortuosity syndrome. Review status: no classification provided. Collection method: literature only. Allele origin: germline. Affected: yes. Not counted in ClinVar's aggregate classification.

Literature cited by the submitters: PubMed 17163528 (cited by 5 submitters); PubMed 17935213 (cited by 4 submitters); PubMed 25373504 (cited by 3 submitters); PubMed 25392904 (cited by Mayo Clinic Laboratories, Mayo Clinic); PubMed 26376865 (cited by Mayo Clinic Laboratories, Mayo Clinic); PubMed 28655553 (cited by Mayo Clinic Laboratories, Mayo Clinic); PubMed 28756087 (cited by Mayo Clinic Laboratories, Mayo Clinic); PubMed 30090112 (cited by Mayo Clinic Laboratories, Mayo Clinic); PubMed 31203799 (cited by Mayo Clinic Laboratories, Mayo Clinic); PubMed 36578839 (cited by Mayo Clinic Laboratories, Mayo Clinic); PubMed 9335548 (cited by Mayo Clinic Laboratories, Mayo Clinic); PubMed 29323665 (cited by Women's Health and Genetics/Laboratory Corporation of America, LabCorp); NCBI Bookshelf NBK253404 (cited by GeneReviews).